The following is an entry in ClinVar:

ClinVar aggregate classification (germline): Uncertain significance (1 of 4 stars; one submission).

Conditions:
Hereditary cancer-predisposing syndrome. Also called: Hereditary neoplastic syndrome; Hereditary Cancer Syndrome; Neoplastic Syndromes, Hereditary; Tumor predisposition. Identifiers: Orphanet 140162, MedGen C0027672, MeSH D009386, MONDO:0015356.

Submission:

Ambry Genetics
Classification: Uncertain significance for Hereditary cancer-predisposing syndrome. Last evaluated: 2023-05-01. Review status: criteria provided, single submitter. Criteria: Ambry Variant Classification Scheme 2023. Collection method: clinical testing. Allele origin: germline.
Comment: The p.K161T variant (also known as c.482A>C), located in coding exon 3 of the RET gene, results from an A to C substitution at nucleotide position 482. The lysine at codon 161 is replaced by threonine, an amino acid with similar properties. This amino acid position is conserved. In addition, this alteration is predicted to be tolerated by in silico analysis. Since supporting evidence is limited at this time, the clinical significance of this alteration remains unclear.

NM_020975.6(RET):c.482A>C (p.Lys161Thr)

Gene: RET (ret proto-oncogene; plus strand). Cytogenetic location: 10q11.21.
Variant type: single nucleotide variant.
Coding change: c.482A>C on transcript NM_020975.6 (MANE Select); coding-DNA position 482, A replaced by C.
Protein change: p.Lys161Thr; replaces lysine 161 with threonine.
Molecular consequence: missense variant. On other transcripts: intron variant (15).
Genome position (GRCh38, 1-based): chr10:43,102,486, A>C. VCF-style: chr10-43102486-A-C. GRCh37 (hg19) VCF-style: chr10-43597934-A-C.
Other names: c.482A>C, p.Lys161Thr (NM_000323.2, NM_001406743.1, NM_001406744.1 and 16 more transcripts); c.353A>C, p.Lys118Thr (NM_001406761.1, NM_001406762.1, NM_001406764.1 and 4 more transcripts); c.337+1764A>C (NM_001406770.1, NM_001406766.1, NM_001406767.1 and 8 more transcripts); c.74-6545A>C (NM_001406784.1); c.74-9613A>C (NM_001406794.1, NM_001406792.1, NM_001406793.1); short protein forms K161T, K118T.
Identifiers: ClinVar variation 2568346 (VCV002568346.2), dbSNP rs2132681743, ClinGen allele CA376770924.